The following is an entry in ClinVar:

ClinVar aggregate classification (germline): Likely benign (1 of 4 stars; one submission).

Allele frequency attached by ClinVar (database versions not stated): gnomAD 0.00924 and 0.00984; TOPMed 0.01070; 1000 Genomes Project 0.01258; 1000 Genomes Project 30x 0.01265.
gnomAD v4.1: 2,383 of 1,156,590 alleles (0.21%); highest among the groups gnomAD compares: African/African-American, 3.1%; 28 homozygotes.

Submission:

GeneDx
Classification: Likely benign. Last evaluated: 2018-06-19. Review status: criteria provided, single submitter. Criteria: GeneDx Variant Classification (06012015). Collection method: clinical testing. Allele origin: germline. Affected: yes.
Comment: This variant is considered likely benign or benign based on one or more of the following criteria: it is a conservative change, it occurs at a poorly conserved position in the protein, it is predicted to be benign by multiple in silico algorithms, and/or has population frequency not consistent with disease.

NM_000026.4(ADSL):c.1102-77T>G

Gene: ADSL (adenylosuccinate lyase; plus strand). Cytogenetic location: 22q13.1.
Variant type: single nucleotide variant.
Coding change: c.1102-77T>G on transcript NM_000026.4 (MANE Select); 77 bases into the intron before coding-DNA position 1102, T replaced by G.
Molecular consequence: intron variant.
Genome position (GRCh38, 1-based): chr22:40,364,199, T>G. VCF-style: chr22-40364199-T-G. GRCh37 (hg19) VCF-style: chr22-40760203-T-G.
Other names: c.1102-77T>G (NM_001363840.3, NM_001123378.3); c.910-77T>G (NM_001317923.2).
Identifiers: ClinVar variation 675217 (VCV000675217.1), dbSNP rs116718400, ClinGen allele CA324460081.